The following is an entry in ClinVar:

GRCh37/hg19 16p11.2(chr16:29592783-30190568)x1

Genes: ALDOA (aldolase, fructose-bisphosphate A; plus strand), ASPHD1 (aspartate beta-hydroxylase domain containing 1; plus strand), C16orf54 (chromosome 16 open reading frame 54; minus strand), CDIPT (CDP-diacylglycerol--inositol 3-phosphatidyltransferase; minus strand), DOC2A (double C2 domain alpha; minus strand) and 21 more. Cytogenetic location: 16p11.2.
Variant type: copy number loss.
Change: copy number 1 (one copy instead of two) of chr16:29,592,783-30,190,568 (597.8 kb, GRCh37 coordinates, 1-based), cytogenetic band 16p11.2.
Identifiers: ClinVar variation 5043568 (VCV005043568.1).

ClinVar aggregate classification (germline): Pathogenic (1 of 4 stars; one submission).

Conditions:
Proximal 16p11.2 microdeletion syndrome. Also called: CHROMOSOME 16p11.2 DELETION SYNDROME, 593-KB; Chromosome 16p11.2 deletion syndrome; 16p11.2 Recurrent Deletion. Identifiers: Orphanet 261197, MedGen C3150154, MONDO:0012756, OMIM 611913.

Submission:

Department of Prenatal Diagnosis, Henan Provincial People’s Hospital
Classification: Pathogenic for Proximal 16p11.2 microdeletion syndrome. Last evaluated: 2026-11-25. Review status: criteria provided, single submitter. Criteria: ACMG/ClinGen CNV Guidelines, 2019. Collection method: research. Allele origin: maternal, de novo, germline, paternal. Affected: no and yes. Observed: 12 variant alleles.
Comment: During the prenatal stage, a 597-kb heterozygous deletion (29592783-30190568) within the 16p11.2 region was identified in twelve fetuses. Based on the "ACMG/ClinGen CNV Guidelines" (2019, PMID: 31690835), this deletion encompasses the established haploinsufficiency genomic region-16p11.2 recurrent region (proximal, BP4-BP5) (includes TBX6)，which satisfies the criteria for Evidence Type 2A and is assigned a score of 1. As a result, the observed copy number deletion in this case achieves a cumulative score of ≥0.99, classifying it as a pathogenic copy number variant.